The following is an entry in ClinVar:

NM_004415.4(DSP):c.8109A>G (p.Gly2703=)

Gene: DSP (desmoplakin; plus strand). Cytogenetic location: 6p24.3.
Variant type: single nucleotide variant.
Coding change: c.8109A>G on transcript NM_004415.4 (MANE Select); coding-DNA position 8109, A replaced by G.
Protein change: p.Gly2703=; no amino-acid change (glycine 2703 retained).
Molecular consequence: synonymous variant.
Genome position (GRCh38, 1-based): chr6:7,585,371, A>G. VCF-style: chr6-7585371-A-G. GRCh37 (hg19) VCF-style: chr6-7585604-A-G.
Other names: c.6312A>G, p.Gly2104= (NM_001008844.3); c.6780A>G, p.Gly2260= (NM_001319034.2); c.8109A>G (NM_004415.3).
Identifiers: ClinVar variation 1139030 (VCV001139030.14), dbSNP rs78736738, ClinGen allele CA3628101.

ClinVar aggregate classification (germline): Likely benign. Review status: criteria provided, multiple submitters, no conflicts (2 of 4 stars). 5 submissions from 5 submitters: Likely benign (5). Last evaluated 2025-11-17.

Conditions:
DSP-related disorder. Also called: DSP-related condition; DSP-related disorders.
Arrhythmogenic cardiomyopathy with wooly hair and keratoderma. Also called: Arrhythmogenic cardiomyopathy with woolly hair and keratoderma; Dilated cardiomyopathy with woolly hair and keratoderma; PALMOPLANTAR KERATODERMA WITH LEFT VENTRICULAR CARDIOMYOPATHY AND WOOLLY HAIR; Carvajal syndrome. Identifiers: Orphanet 65282, MedGen C1854063, MONDO:0011581, OMIM 605676.
Arrhythmogenic right ventricular dysplasia 8 (ARVD8). Also called: ARRHYTHMOGENIC RIGHT VENTRICULAR DYSPLASIA, FAMILIAL, 8; ARRHYTHMOGENIC RIGHT VENTRICULAR CARDIOMYOPATHY 8; Arrhythmogenic Right Ventricular Dysplasia/Cardiomyopathy 8. Identifiers: MedGen C1843896, MONDO:0011831, OMIM 607450.
Cardiomyopathy (CMYO). Also called: Cardiomyopathies. Identifiers: Orphanet 167848, MedGen C0878544, MONDO:0004994, HP:0001638. Inheritance: Various modes of inheritance.
Cardiovascular phenotype. Identifiers: MedGen CN230736.

Allele frequency attached by ClinVar (database versions not stated): gnomAD 0.00001; TOPMed 0.00001; ExAC 0.00002; gnomAD exomes 0.00002 and 0.00004; 1000 Genomes Project 0.00020.
gnomAD v4.1: 56 of 1,614,062 alleles (0.0035%); highest among the groups gnomAD compares: Non-Finnish European, 0.0047%; no homozygotes.

Submissions (5):

Labcorp Genetics (formerly Invitae), Labcorp
Classification: Likely benign for Arrhythmogenic cardiomyopathy with wooly hair and keratoderma; Arrhythmogenic right ventricular dysplasia 8. Last evaluated: 2025-11-17. Review status: criteria provided, single submitter. Criteria: Invitae Variant Classification Sherloc (09022015). Collection method: clinical testing. Allele origin: germline.

PreventionGenetics, part of Exact Sciences
Classification: Likely benign for DSP-related condition. Last evaluated: 2025-07-10. Review status: criteria provided, single submitter. Criteria: ACMG Guidelines, 2015. Collection method: clinical testing. Allele origin: germline.
Comment: This variant is classified as likely benign based on ACMG/AMP sequence variant interpretation guidelines (Richards et al. 2015 PMID: 25741868, with internal and published modifications).

All of Us Research Program, National Institutes of Health
Classification: Likely benign for Arrhythmogenic cardiomyopathy with wooly hair and keratoderma. Last evaluated: 2024-06-09. Review status: criteria provided, single submitter. Criteria: ACMG Guidelines, 2015. Collection method: clinical testing. Allele origin: germline. Inheritance: Autosomal dominant inheritance. Observed: 2 variant alleles, 2 heterozygotes.
Comment: This study involves interpretation of variants in research participants for the purpose of population health screening. Participant phenotype was not available at the time of variant classification. Additional details can be found in publication PMID: 35346344, PMCID: PMC8962531

Color Diagnostics, LLC DBA Color Health
Classification: Likely benign for Cardiomyopathy. Last evaluated: 2024-04-17. Review status: criteria provided, single submitter. Criteria: ACMG Guidelines, 2015. Collection method: clinical testing. Allele origin: germline.

Ambry Genetics
Classification: Likely benign for Cardiovascular phenotype. Last evaluated: 2019-05-02. Review status: criteria provided, single submitter. Criteria: Ambry Variant Classification Scheme 2023. Collection method: clinical testing. Allele origin: germline.